The following is an entry in ClinVar:

ClinVar aggregate classification (germline): Uncertain significance (1 of 4 stars; one submission).

Submission:

GeneDx
Classification: Uncertain significance. Last evaluated: 2026-03-10. Review status: criteria provided, single submitter. Criteria: GeneDx Variant Classification Process June 2021. Collection method: clinical testing. Allele origin: germline.
Comment: Not observed at significant frequency in large population cohorts (gnomAD); In silico analysis supports that this missense variant has a deleterious effect on protein structure/function; Has not been previously published as pathogenic or benign to our knowledge

NM_013450.4(BAZ2B):c.5859C>A (p.Asp1953Glu)

Gene: BAZ2B (bromodomain adjacent to zinc finger domain 2B; minus strand). Cytogenetic location: 2q24.2.
Variant type: single nucleotide variant.
Coding change: c.5859C>A on transcript NM_013450.4 (MANE Select); coding-DNA position 5859, C replaced by A.
Protein change: p.Asp1953Glu; replaces aspartic acid 1953 with glutamic acid.
Molecular consequence: missense variant.
Genome position (GRCh38, 1-based): chr2:159,332,624, G>T on the plus strand (C>A on the coding strand, the complement: BAZ2B is on the minus strand). VCF-style: chr2-159332624-G-T. GRCh37 (hg19) VCF-style: chr2-160189135-G-T.
Other names: c.5751C>A, p.Asp1917Glu (NM_001289975.1); c.5802C>A, p.Asp1934Glu (NM_001329857.2); c.5784C>A, p.Asp1928Glu (NM_001329858.2); short protein forms D1917E, D1953E, D1934E, D1928E.
Identifiers: ClinVar variation 5008861 (VCV005008861.1).